The following is an entry in ClinVar:

NM_199355.4(ADAMTS18):c.2488C>T (p.Arg830Cys)

Gene: ADAMTS18 (ADAM metallopeptidase with thrombospondin type 1 motif 18; minus strand). Cytogenetic location: 16q23.1.
Variant type: single nucleotide variant.
Coding change: c.2488C>T on transcript NM_199355.4 (MANE Select); coding-DNA position 2488, C replaced by T.
Protein change: p.Arg830Cys; replaces arginine 830 with cysteine.
Molecular consequence: missense variant.
Genome position (GRCh38, 1-based): chr16:77,319,893, G>A on the plus strand (C>T on the coding strand, the complement: ADAMTS18 is on the minus strand). VCF-style: chr16-77319893-G-A. GRCh37 (hg19) VCF-style: chr16-77353790-G-A.
Other names: c.1972C>T, p.Arg658Cys (NM_001326358.2); short protein forms R658C, R830C.
Identifiers: ClinVar variation 733363 (VCV000733363.22), dbSNP rs149893700, ClinGen allele CA8180891.

ClinVar aggregate classification (germline): Likely benign. Review status: criteria provided, multiple submitters, no conflicts (2 of 4 stars). 5 submissions from 5 submitters: Likely benign (4). 1 of the submissions does not count toward it. Last evaluated 2026-04-01.

Conditions:
ADAMTS18-related disorder. Also called: ADAMTS18-related condition.

Allele frequency attached by ClinVar (database versions not stated): ESP Exome Variant Server 0.00092; 1000 Genomes Project 30x 0.00094; 1000 Genomes Project 0.00100; gnomAD exomes 0.00109 and 0.00202; gnomAD 0.00116 and 0.00120; TOPMed 0.00116; ExAC 0.00126.
gnomAD v4.1: 3,123 of 1,614,092 alleles (0.19%); highest among the groups gnomAD compares: Non-Finnish European, 0.24%; 6 homozygotes.

Submissions (5):

CeGaT Center for Human Genetics Tuebingen
Classification: Likely benign. Last evaluated: 2026-04-01. Review status: criteria provided, single submitter. Criteria: CeGaT Center For Human Genetics Tuebingen Variant Classification Criteria Version 2. Collection method: clinical testing. Allele origin: germline. Affected: yes. Observed: 2 variant alleles.
Comment: ADAMTS18: BP4, BS2

Labcorp Genetics (formerly Invitae), Labcorp
Classification: Likely benign. Last evaluated: 2026-01-18. Review status: criteria provided, single submitter. Criteria: Invitae Variant Classification Sherloc (09022015). Collection method: clinical testing. Allele origin: germline.

Blueprint Genetics
Classification: Likely benign. Last evaluated: 2024-11-25. Review status: criteria provided, single submitter. Criteria: ACMG Guidelines, 2015. Collection method: clinical testing. Allele origin: germline.

Breakthrough Genomics
Classification: Likely benign. Review status: criteria provided, single submitter. Criteria: ACMG Guidelines, 2015. Collection method: not provided. Allele origin: germline. Inheritance: Autosomal recessive inheritance. Affected: yes.

PreventionGenetics, part of Exact Sciences
Classification: Likely benign for ADAMTS18-related condition. Last evaluated: 2024-04-16. Review status: no assertion criteria provided. Collection method: clinical testing. Allele origin: germline. Not counted in ClinVar's aggregate classification.
Comment: This variant is classified as likely benign based on ACMG/AMP sequence variant interpretation guidelines (Richards et al. 2015 PMID: 25741868, with internal and published modifications).